The following is an entry in ClinVar:

NM_005125.2(CCS):c.279G>T (p.Leu93=)

Gene: CCS (copper chaperone for superoxide dismutase; plus strand). Cytogenetic location: 11q13.2.
Variant type: single nucleotide variant.
Coding change: c.279G>T on transcript NM_005125.2 (MANE Select); coding-DNA position 279, G replaced by T.
Protein change: p.Leu93=; no amino-acid change (leucine 93 retained).
Molecular consequence: synonymous variant.
Genome position (GRCh38, 1-based): chr11:66,599,487, G>T. VCF-style: chr11-66599487-G-T. GRCh37 (hg19) VCF-style: chr11-66366958-G-T.
Identifiers: ClinVar variation 3041567 (VCV003041567.2), dbSNP rs61731811, ClinGen allele CA6126385.

ClinVar aggregate classification (germline): Likely benign (0 of 4 stars; one submission).

Conditions:
CCS-related disorder. Also called: CCS-related condition.

Allele frequency attached by ClinVar (database versions not stated): 1000 Genomes Project 30x 0.00203; 1000 Genomes Project 0.00220; ExAC 0.00601; TOPMed 0.00612; ESP Exome Variant Server 0.00647; gnomAD 0.00668; gnomAD exomes 0.01078.
gnomAD v4.1: 15,870 of 1,546,340 alleles (1%); highest among the groups gnomAD compares: Non-Finnish European, 1.3%; 108 homozygotes.

Submission:

PreventionGenetics, part of Exact Sciences
Classification: Likely benign for CCS-related condition. Last evaluated: 2020-03-02. Review status: no assertion criteria provided. Collection method: clinical testing. Allele origin: germline.
Comment: This variant is classified as likely benign based on ACMG/AMP sequence variant interpretation guidelines (Richards et al. 2015 PMID: 25741868, with internal and published modifications).